The following is an entry in ClinVar:

ClinVar aggregate classification (germline): Uncertain significance (1 of 4 stars; one submission).

Conditions:
Genitopatellar syndrome (GTPTS). Also called: Genitopatellar syndrome (GPS); ABSENT PATELLAE, SCROTAL HYPOPLASIA, RENAL ANOMALIES, FACIAL DYSMORPHISM, AND MENTAL RETARDATION. Identifiers: Orphanet 85201, MedGen C1853566, MONDO:0011640, OMIM 606170.

Submission:

Labcorp Genetics (formerly Invitae), Labcorp
Classification: Uncertain significance for Genitopatellar syndrome. Last evaluated: 2023-01-14. Review status: criteria provided, single submitter. Criteria: Invitae Variant Classification Sherloc (09022015). Collection method: clinical testing. Allele origin: germline.
Comment: In summary, the available evidence is currently insufficient to determine the role of this variant in disease. Therefore, it has been classified as a Variant of Uncertain Significance. This sequence change replaces glutamine, which is neutral and polar, with lysine, which is basic and polar, at codon 1517 of the KAT6B protein (p.Gln1517Lys). This variant is not present in population databases (gnomAD no frequency). This variant has not been reported in the literature in individuals affected with KAT6B-related conditions. Advanced modeling of protein sequence and biophysical properties (such as structural, functional, and spatial information, amino acid conservation, physicochemical variation, residue mobility, and thermodynamic stability) performed at Invitae indicates that this missense variant is not expected to disrupt KAT6B protein function.

NM_012330.4(KAT6B):c.4549C>A (p.Gln1517Lys)

Gene: KAT6B (lysine acetyltransferase 6B; plus strand). Cytogenetic location: 10q22.2.
Variant type: single nucleotide variant.
Coding change: c.4549C>A on transcript NM_012330.4 (MANE Select); coding-DNA position 4549, C replaced by A.
Protein change: p.Gln1517Lys; replaces glutamine 1517 with lysine.
Molecular consequence: missense variant.
Genome position (GRCh38, 1-based): chr10:75,029,373, C>A. VCF-style: chr10-75029373-C-A. GRCh37 (hg19) VCF-style: chr10-76789131-C-A.
Other names: c.4000C>A, p.Gln1334Lys (NM_001256468.2, NM_001370138.1); c.3673C>A, p.Gln1225Lys (NM_001256469.2, NM_001370139.1, NM_001370140.1 and 2 more transcripts); c.3511C>A, p.Gln1171Lys (NM_001370132.1); c.2860C>A, p.Gln954Lys (NM_001370133.1); c.2464C>A, p.Gln822Lys (NM_001370134.1); c.2206C>A, p.Gln736Lys (NM_001370135.1); c.4549C>A, p.Gln1517Lys (NM_001370136.1, NM_001370137.1); c.3484C>A, p.Gln1162Lys (NM_001370143.1, NM_001370144.1); short protein forms Q1171K, Q1225K, Q1334K, Q1517K, Q736K, Q822K, Q1162K, Q954K.
Identifiers: ClinVar variation 2828545 (VCV002828545.3), dbSNP rs2549203492, ClinGen allele CA377297687.